The following is an entry in ClinVar:

ClinVar aggregate classification (germline): Uncertain significance. Review status: criteria provided, multiple submitters, no conflicts (2 of 4 stars). 2 submissions from 2 submitters: Uncertain significance (2). Last evaluated 2024-11-20.

Conditions:
NOTCH2-related disorder. Also called: NOTCH2-related condition.
Hajdu-Cheney syndrome (HJCYS). Also called: SERPENTINE FIBULA-POLYCYSTIC KIDNEY SYNDROME; ACROOSTEOLYSIS WITH OSTEOPOROSIS AND CHANGES IN SKULL AND MANDIBLE; Acroosteolysis dominant type. Identifiers: Orphanet 955, MedGen C0917715, MONDO:0007057, OMIM 102500.

gnomAD v4.1: 1 of 1,614,096 alleles (0.000062%); highest among the groups gnomAD compares: Non-Finnish European, 0.000085%; no homozygotes.

Submissions (2):

Labcorp Genetics (formerly Invitae), Labcorp
Classification: Uncertain significance for Hajdu-Cheney syndrome. Last evaluated: 2024-11-20. Review status: criteria provided, single submitter. Criteria: Invitae Variant Classification Sherloc (09022015). Collection method: clinical testing. Allele origin: germline.
Comment: This sequence change replaces aspartic acid, which is acidic and polar, with tyrosine, which is neutral and polar, at codon 2252 of the NOTCH2 protein (p.Asp2252Tyr). This variant is not present in population databases (gnomAD no frequency). This variant has not been reported in the literature in individuals affected with NOTCH2-related conditions. Invitae Evidence Modeling of protein sequence and biophysical properties (such as structural, functional, and spatial information, amino acid conservation, physicochemical variation, residue mobility, and thermodynamic stability) indicates that this missense variant is not expected to disrupt NOTCH2 protein function with a negative predictive value of 80%. In summary, the available evidence is currently insufficient to determine the role of this variant in disease. Therefore, it has been classified as a Variant of Uncertain Significance.

PreventionGenetics, part of Exact Sciences
Classification: Uncertain significance for NOTCH2-related condition. Last evaluated: 2024-10-29. Review status: criteria provided, single submitter. Criteria: ACMG Guidelines, 2015. Collection method: clinical testing. Allele origin: germline.
Comment: The NOTCH2 c.6754G>T variant is predicted to result in the amino acid substitution p.Asp2252Tyr. To our knowledge, this variant has not been reported in the literature or in a large population database (gnomAD), indicating this variant is rare. At this time, the clinical significance of this variant is uncertain due to the absence of conclusive functional and genetic evidence.

NM_024408.4(NOTCH2):c.6754G>T (p.Asp2252Tyr)

Gene: NOTCH2 (notch receptor 2; minus strand). Cytogenetic location: 1p12.
Variant type: single nucleotide variant.
Coding change: c.6754G>T on transcript NM_024408.4 (MANE Select); coding-DNA position 6754, G replaced by T.
Protein change: p.Asp2252Tyr; replaces aspartic acid 2252 with tyrosine.
Molecular consequence: missense variant.
Genome position (GRCh38, 1-based): chr1:119,915,968, C>A on the plus strand (G>T on the coding strand, the complement: NOTCH2 is on the minus strand). VCF-style: chr1-119915968-C-A. GRCh37 (hg19) VCF-style: chr1-120458591-C-A.
Other names: c.6754G>T (NM_024408.3); short protein forms D2252Y.
Identifiers: ClinVar variation 3718392 (VCV003718392.3).